The following is an entry in ClinVar:

ClinVar aggregate classification (germline): Likely pathogenic (1 of 4 stars; one submission).

Submission:

Labcorp Genetics (formerly Invitae), Labcorp
Classification: Likely pathogenic. Last evaluated: 2024-08-05. Review status: criteria provided, single submitter. Criteria: Invitae Variant Classification Sherloc (09022015). Collection method: clinical testing. Allele origin: germline.
Comment: This sequence change replaces serine, which is neutral and polar, with proline, which is neutral and non-polar, at codon 1488 of the ABCA12 protein (p.Ser1488Pro). This variant is not present in population databases (gnomAD no frequency). This missense change has been observed in individual(s) with congenital ichthyosis (Invitae). In at least one individual the data is consistent with being in trans (on the opposite chromosome) from a pathogenic variant. Advanced modeling of protein sequence and biophysical properties (such as structural, functional, and spatial information, amino acid conservation, physicochemical variation, residue mobility, and thermodynamic stability) performed at Invitae indicates that this missense variant is expected to disrupt ABCA12 protein function with a positive predictive value of 80%. In summary, the currently available evidence indicates that the variant is pathogenic, but additional data are needed to prove that conclusively. Therefore, this variant has been classified as Likely Pathogenic.

NM_173076.3(ABCA12):c.4462T>C (p.Ser1488Pro)

Gene: ABCA12 (ATP binding cassette subfamily A member 12; minus strand). Cytogenetic location: 2q35.
Variant type: single nucleotide variant.
Coding change: c.4462T>C on transcript NM_173076.3 (MANE Select); coding-DNA position 4462, T replaced by C.
Protein change: p.Ser1488Pro; replaces serine 1488 with proline.
Molecular consequence: missense variant. On other transcripts: non-coding transcript variant (1).
Genome position (GRCh38, 1-based): chr2:214,982,304, A>G on the plus strand (T>C on the coding strand, the complement: ABCA12 is on the minus strand). VCF-style: chr2-214982304-A-G. GRCh37 (hg19) VCF-style: chr2-215847028-A-G.
Other names: c.3508T>C, p.Ser1170Pro (NM_015657.4); short protein forms S1170P, S1488P.
Identifiers: ClinVar variation 3672180 (VCV003672180.2).